The following is an entry in ClinVar:

ClinVar aggregate classification (germline): Pathogenic (1 of 4 stars; one submission).

Conditions:
Finnish congenital nephrotic syndrome (NPHS1). Also called: NEPHROTIC SYNDROME, TYPE 1. Identifiers: Orphanet 839, MedGen C0403399, MONDO:0009732, OMIM 256300.

Submission:

Myriad Genetics, Inc.
Classification: Pathogenic for Finnish congenital nephrotic syndrome. Last evaluated: 2026-01-11. Review status: criteria provided, single submitter. Criteria: Myriad Autosomal Dominant, Autosomal Recessive and X-Linked Classification Criteria (2023). Collection method: clinical testing. Allele origin: unknown.
Comment: NM_004646.3(NPHS1):c.977_978delGG(G326Dfs*15) is expected to be pathogenic in the context of nephrotic syndrome, NPHS1-related. This variant is predicted to lead to an abnormal or absent protein product due to the creation of a premature termination codon in NPHS1, a gene where loss-of-function variants are known to be pathogenic. Please note: this variant was assessed in the context of healthy population screening.

NM_004646.4(NPHS1):c.977_978del (p.Gly326fs)

Gene: NPHS1 (NPHS1 adhesion molecule, nephrin; minus strand). Cytogenetic location: 19q13.12.
Variant type: Deletion.
Coding change: c.977_978del on transcript NM_004646.4 (MANE Select); coding-DNA positions 977 to 978, 2 bases deleted (GG; older notation c.977_978delGG).
Protein change: p.Gly326fs; shifts the reading frame from glycine 326.
Molecular consequence: frameshift variant.
Genome position (GRCh38, 1-based): chr19:35,849,010-35,849,011, CC deleted on the plus strand (GG on the coding strand, the reverse complement: NPHS1 is on the minus strand); deleting any 2 consecutive bases within chr19:35,849,010-35,849,012 gives the same sequence; the c. name uses the placement nearest the transcript's 3' end. VCF-style (leftmost placement, unchanged base first): chr19-35849009-TCC-T. GRCh37 (hg19) VCF-style: chr19-36339911-TCC-T.
Other names: short protein forms G326fs.
Identifiers: ClinVar variation 5010736 (VCV005010736.1).
Genomic context (GRCh38, chr19:35,849,009, plus strand): 5'-AGGGGGGCAGCTGGCACCAGGACTCACAGGTGACCTGCAGTGTGATGCCGTGCTCCTGGG[TCC>T]CTGCAGACACGCTGTTGTGGGCCTCGCAGCTGAGCTGCGCTCCATGGTCTTCTGGCCTCA-3'